The following is an entry in ClinVar:

NM_152419.3(HGSNAT):c.1309G>A (p.Gly437Arg)

Gene: HGSNAT (heparan-alpha-glucosaminide N-acetyltransferase; plus strand). Cytogenetic location: 8p11.21.
Variant type: single nucleotide variant.
Coding change: c.1309G>A on transcript NM_152419.3 (MANE Select); coding-DNA position 1309, G replaced by A.
Protein change: p.Gly437Arg; replaces glycine 437 with arginine.
Molecular consequence: missense variant.
Genome position (GRCh38, 1-based): chr8:43,192,362, G>A. VCF-style: chr8-43192362-G-A. GRCh37 (hg19) VCF-style: chr8-43047505-G-A.
Other names: c.1309G>A, p.Gly437Arg (NM_001363227.2); c.1117G>A, p.Gly373Arg (NM_001363228.2); c.445G>A, p.Gly149Arg (NM_001363229.2); short protein forms G149R, G373R, G437R.
Identifiers: ClinVar variation 3754223 (VCV003754223.2).

ClinVar aggregate classification (germline): Uncertain significance (1 of 4 stars; one submission).

Conditions:
Mucopolysaccharidosis, MPS-III-C (MPS3C). Also called: SANFILIPPO SYNDROME C; MPS III C; Mucopolysaccharidosis type IIIC (Sanfilippo C); mucopolysaccharidosis type 3C; MUCOPOLYSACCHARIDOSIS, TYPE IIIC; MPS IIIC (Sanfilippo Syndrome Type C). Identifiers: Orphanet 581, Orphanet 79271, MedGen C0086649, MONDO:0009657, OMIM 252930.
Retinitis pigmentosa 73 (RP73). Identifiers: Orphanet 791, MedGen C4225287, MONDO:0014687, OMIM 616544.

Submission:

Labcorp Genetics (formerly Invitae), Labcorp
Classification: Uncertain significance for Retinitis pigmentosa 73; Mucopolysaccharidosis, MPS-III-C. Last evaluated: 2025-03-17. Review status: criteria provided, single submitter. Criteria: Invitae Variant Classification Sherloc (09022015). Collection method: clinical testing. Allele origin: germline.
Comment: This sequence change replaces glycine, which is neutral and non-polar, with arginine, which is basic and polar, at codon 437 of the HGSNAT protein (p.Gly437Arg). This variant is not present in population databases (gnomAD no frequency). This variant has not been reported in the literature in individuals affected with HGSNAT-related conditions. Invitae Evidence Modeling of protein sequence and biophysical properties (such as structural, functional, and spatial information, amino acid conservation, physicochemical variation, residue mobility, and thermodynamic stability) has been performed for this missense variant. However, the output from this modeling did not meet the statistical confidence thresholds required to predict the impact of this variant on HGSNAT protein function. In summary, the available evidence is currently insufficient to determine the role of this variant in disease. Therefore, it has been classified as a Variant of Uncertain Significance.